The following is an entry in ClinVar:

ClinVar aggregate classification (germline): Pathogenic. Review status: reviewed by expert panel (3 of 4 stars). 4 submissions from 4 submitters: Pathogenic (1). 3 of the submissions do not count toward it. Last evaluated 2016-10-18.

Conditions:
Breast-ovarian cancer, familial, susceptibility to, 2 (BROVCA2). Also called: BRCA2 Hereditary Breast and Ovarian Cancer. Identifiers: Orphanet 145, MedGen C2675520, MONDO:0012933, OMIM 612555. Disease mechanism: loss of function.
Hereditary cancer-predisposing syndrome. Also called: Hereditary Cancer Syndrome; Tumor predisposition; Hereditary neoplastic syndrome; Neoplastic Syndromes, Hereditary. Identifiers: Orphanet 140162, MedGen C0027672, MeSH D009386, MONDO:0015356.

Submissions (4):

Evidence-based Network for the Interpretation of Germline Mutant Alleles (ENIGMA)
Classification: Pathogenic for Breast-ovarian cancer, familial, susceptibility to, 2. Last evaluated: 2016-10-18. Review status: reviewed by expert panel. Criteria: ENIGMA BRCA1/2 Classification Criteria (2015). Collection method: curation. Allele origin: germline.
Comment: Variant allele predicted to encode a truncated non-functional protein.

Ambry Genetics
Classification: Pathogenic for Hereditary cancer-predisposing syndrome. Last evaluated: 2026-07-30. Review status: criteria provided, single submitter. Criteria: Ambry Variant Classification Scheme 2023. Collection method: clinical testing. Allele origin: germline. Not counted in ClinVar's aggregate classification.
Comment: The c.4467_4474delAATACTGAinsTGTTTTT pathogenic mutation, located in coding exon 10 of the BRCA2 gene, results from the deletion of 8 nucleotides and insertion of 7 nucleotides causing a translational frameshift with a predicted alternate stop codon (p.K1489Nfs*15). This variant is considered to be rare based on population cohorts in the Genome Aggregation Database (gnomAD). This variant is expected to result in loss of function by premature protein truncation or nonsense-mediated mRNA decay. As such, this variant is interpreted as a disease-causing mutation.

Quest Diagnostics Nichols Institute San Juan Capistrano
Classification: Pathogenic. Last evaluated: 2018-05-04. Review status: criteria provided, single submitter. Criteria: Quest Diagnostics criteria. Collection method: clinical testing. Allele origin: germline. Not counted in ClinVar's aggregate classification.

Consortium of Investigators of Modifiers of BRCA1/2 (CIMBA), c/o University of Cambridge
Classification: Pathogenic for Breast-ovarian cancer, familial, susceptibility to, 2. Last evaluated: 2015-10-02. Review status: criteria provided, single submitter. Criteria: CIMBA Mutation Classification guidelines May 2016. Collection method: clinical testing. Allele origin: germline. Not counted in ClinVar's aggregate classification.

NM_000059.4(BRCA2):c.4467_4474delinsTGTTTTT (p.Lys1489fs)

Gene: BRCA2 (BRCA2 DNA repair associated; plus strand). Cytogenetic location: 13q13.1.
Variant type: Indel.
Coding change: c.4467_4474delinsTGTTTTT on transcript NM_000059.4 (MANE Select); coding-DNA positions 4467 to 4474, AATACTGA replaced by TGTTTTT.
Protein change: p.Lys1489fs; shifts the reading frame from lysine 1489.
Molecular consequence: frameshift variant.
Genome position (GRCh38, 1-based): chr13:32,338,822-32,338,829, AATACTGA replaced by TGTTTTT. VCF-style: chr13-32338822-AATACTGA-TGTTTTT. GRCh37 (hg19) VCF-style: chr13-32912959-AATACTGA-TGTTTTT.
Other names: 4695delAATACTGAinsTGTTTTT; short protein forms K1489fs.
Identifiers: ClinVar variation 266815 (VCV000266815.13), dbSNP rs886040533, ClinGen allele CA10589262.
Genomic context (GRCh38, chr13:32,338,822, plus strand): 5'-CATAAGAAAGAACAAAATGGACATTCTAAGTTATGAGGAAACAGACATAGTTAAACACAA[AATACTGA>TGTTTTT]AAGAAAGTGTCCCAGTTGGTACTGGAAATCAACTAGTGACCTTCCAGGGACAACCCGAAC-3'